The following is an entry in ClinVar:

ClinVar aggregate classification (germline): Uncertain significance (1 of 4 stars; one submission).

Conditions:
Baller-Gerold syndrome (BGS). Also called: CRANIOSYNOSTOSIS WITH RADIAL DEFECTS. Identifiers: Orphanet 1225, MedGen C0265308, MONDO:0009039, OMIM 218600.

Allele frequency attached by ClinVar (database versions not stated): gnomAD exomes below 0.00001 and 0.00001; gnomAD 0.00001.
gnomAD v4.1: 9 of 1,611,192 alleles (0.00056%); highest among the groups gnomAD compares: African/African-American, 0.0013%; no homozygotes.

Submission:

Labcorp Genetics (formerly Invitae), Labcorp
Classification: Uncertain significance for Baller-Gerold syndrome. Last evaluated: 2025-11-10. Review status: criteria provided, single submitter. Criteria: Invitae Variant Classification Sherloc (09022015). Collection method: clinical testing. Allele origin: germline.
Comment: This sequence change replaces alanine, which is neutral and non-polar, with valine, which is neutral and non-polar, at codon 1001 of the RECQL4 protein (p.Ala1001Val). The frequency data for this variant in the population databases is considered unreliable, as metrics indicate poor data quality at this position in the gnomAD database. This variant has not been reported in the literature in individuals affected with RECQL4-related conditions. ClinVar contains an entry for this variant (Variation ID: 582933). Invitae Evidence Modeling of protein sequence and biophysical properties (such as structural, functional, and spatial information, amino acid conservation, physicochemical variation, residue mobility, and thermodynamic stability) indicates that this missense variant is not expected to disrupt RECQL4 protein function with a negative predictive value of 80%. In summary, the available evidence is currently insufficient to determine the role of this variant in disease. Therefore, it has been classified as a Variant of Uncertain Significance.

NM_004260.4(RECQL4):c.3002C>T (p.Ala1001Val)

Gene: RECQL4 (RecQ like helicase 4; minus strand). Cytogenetic location: 8q24.3.
Variant type: single nucleotide variant.
Coding change: c.3002C>T on transcript NM_004260.4 (MANE Select); coding-DNA position 3002, C replaced by T.
Protein change: p.Ala1001Val; replaces alanine 1001 with valine.
Molecular consequence: missense variant.
Genome position (GRCh38, 1-based): chr8:144,512,445, G>A on the plus strand (C>T on the coding strand, the complement: RECQL4 is on the minus strand). VCF-style: chr8-144512445-G-A. GRCh37 (hg19) VCF-style: chr8-145737828-G-A.
Other names: short protein forms A1001V.
Identifiers: ClinVar variation 582933 (VCV000582933.7), dbSNP rs918047641, ClinGen allele CA187680443.